The following is an entry in ClinVar:

NM_000271.5(NPC1):c.611_612insTC (p.Ile205fs)

Gene: NPC1 (NPC intracellular cholesterol transporter 1; minus strand). Cytogenetic location: 18q11.2.
Variant type: Insertion.
Coding change: c.611_612insTC on transcript NM_000271.5 (MANE Select); coding-DNA positions 611 to 612, TC inserted.
Protein change: p.Ile205fs; shifts the reading frame from isoleucine 205.
Molecular consequence: frameshift variant.
Genome position: GRCh38 VCF-style: chr18-23561379-G-GGA. GRCh37 (hg19) VCF-style: chr18-21141343-G-GGA.
Other names: short protein forms I205fs.
Identifiers: ClinVar variation 4058945 (VCV004058945.2).
Genomic context (GRCh38, chr18:23,561,379, plus strand): 5'-CAATATCATAAACACACCAAACTTGGAATCTTTATACCTACCTGAAAACACAGGAGTGAT[G>GGA]GTAAAAGGTGCCTGTCCATTGTCCTTATTGAACATGTATTCAATCCAGTTGGTGGCATTA-3'

ClinVar aggregate classification (germline): Likely pathogenic (1 of 4 stars; one submission).

Conditions:
Niemann-Pick disease, type C1. Also called: NEUROVISCERAL STORAGE DISEASE WITH VERTICAL SUPRANUCLEAR OPHTHALMOPLEGIA; NIEMANN-PICK DISEASE WITH CHOLESTEROL ESTERIFICATION BLOCK; NIEMANN-PICK DISEASE WITHOUT SPHINGOMYELINASE DEFICIENCY; NIEMANN-PICK DISEASE, CHRONIC NEURONOPATHIC FORM; NIEMANN-PICK DISEASE, VARIANT TYPE C1. Identifiers: Orphanet 646, MedGen C3179455, MONDO:0009757, OMIM 257220.

Submission:

Natera, Inc.
Classification: Likely pathogenic for Niemann-Pick disease type C1. Last evaluated: 2025-02-27. Review status: criteria provided, single submitter. Criteria: Natera Variant Classification Schema (03/2026). Collection method: clinical testing. Allele origin: germline.
Comment: The c.611_612insTC variant in NPC1 is a frameshift variant predicted to shift the reading frame beginning at codon 205 and leads to a stop codon 17 codons downstream. This variant is expected to result in nonsense mediated decay, truncation, or a dysfunctional protein product. This variant is rare in the general population with a frequency below the threshold expected for the associated phenotype(s). Given the available evidence, this variant is classified as Likely Pathogenic.